The following is an entry in ClinVar:

NM_001197104.2(KMT2A):c.6320-5C>T

Gene: KMT2A (lysine methyltransferase 2A; plus strand). Cytogenetic location: 11q23.3.
Variant type: single nucleotide variant.
Coding change: c.6320-5C>T on transcript NM_001197104.2 (MANE Select); 5 bases into the intron before coding-DNA position 6320, C replaced by T.
Molecular consequence: intron variant.
Genome position (GRCh38, 1-based): chr11:118,501,667, C>T. VCF-style: chr11-118501667-C-T. GRCh37 (hg19) VCF-style: chr11-118372382-C-T.
Other names: c.6311-5C>T (NM_005933.4).
Identifiers: ClinVar variation 1209327 (VCV001209327.12), dbSNP rs370006264, ClinGen allele CA6304230.
Genomic context (GRCh38, chr11:118,501,667, plus strand): 5'-TTGGTTAATTTGTTTGATATTTTAATTGGGCCTTTTTAGTTAAGAGTTTTTATTTCCTGC[C>T]ACAGAAAGTTCATCAAAAGAGAGTCAAAACACAGCTGAAATTATAAGTCCTCCATCACCA-3'

ClinVar aggregate classification (germline): Likely benign. Review status: criteria provided, multiple submitters, no conflicts (2 of 4 stars). 2 submissions from 2 submitters: Likely benign (2). Last evaluated 2025-12-16.

Allele frequency attached by ClinVar (database versions not stated): gnomAD exomes 0.00002 and 0.00003; ExAC 0.00005; 1000 Genomes Project 30x 0.00016; 1000 Genomes Project 0.00020; gnomAD 0.00026; TOPMed 0.00030; ESP Exome Variant Server 0.00031.
gnomAD v4.1: 65 of 1,595,384 alleles (0.0041%); highest among the groups gnomAD compares: African/African-American, 0.074%; no homozygotes.

Submissions (2):

Labcorp Genetics (formerly Invitae), Labcorp
Classification: Likely benign. Last evaluated: 2025-12-16. Review status: criteria provided, single submitter. Criteria: Invitae Variant Classification Sherloc (09022015). Collection method: clinical testing. Allele origin: germline.

GeneDx
Classification: Likely benign. Last evaluated: 2023-09-19. Review status: criteria provided, single submitter. Criteria: GeneDx Variant Classification Process June 2021. Collection method: clinical testing. Allele origin: germline. Affected: yes.
Comment: See Variant Classification Assertion Criteria.